The following is an entry in ClinVar:

NM_006828.4(ASCC3):c.2606C>A (p.Thr869Lys)

Gene: ASCC3 (activating signal cointegrator 1 complex subunit 3; minus strand). Cytogenetic location: 6q16.3.
Variant type: single nucleotide variant.
Coding change: c.2606C>A on transcript NM_006828.4 (MANE Select); coding-DNA position 2606, C replaced by A.
Protein change: p.Thr869Lys; replaces threonine 869 with lysine.
Molecular consequence: missense variant.
Genome position (GRCh38, 1-based): chr6:100,661,903, G>T on the plus strand (C>A on the coding strand, the complement: ASCC3 is on the minus strand). VCF-style: chr6-100661903-G-T. GRCh37 (hg19) VCF-style: chr6-101109779-G-T.
Other names: short protein forms T869K.
Identifiers: ClinVar variation 4685435 (VCV004685435.2).
Genomic context (GRCh38, chr6:100,661,903, plus strand): 5'-TGACTCTCAATTGGGTTTCGTTGAGTGAGCAAAGTGAGGTAATGGCTGAGTTTATCATGC[G>T]TTGTTATAATTATTCCTTCCCCAAATTTGTCAAATTGTGGTCGTCCAGCTCGACCAAATA-3'
Protein context (NP_006819.2, residues 859-879): DKFGEGIIIT[Thr869Lys]HDKLSHYLTL

ClinVar aggregate classification (germline): Uncertain significance (1 of 4 stars; one submission).

gnomAD v4.1: 5 of 1,613,356 alleles (0.00031%); highest among the groups gnomAD compares: South Asian, 0.0044%; no homozygotes.

Submission:

GeneDx
Classification: Uncertain significance. Last evaluated: 2026-02-26. Review status: criteria provided, single submitter. Criteria: GeneDx Variant Classification Process June 2021. Collection method: clinical testing. Allele origin: germline.
Comment: In silico analysis supports that this missense variant has a deleterious effect on protein structure/function; Has not been previously published as pathogenic or benign to our knowledge